The following is an entry in ClinVar:

ClinVar aggregate classification (germline): Uncertain significance (1 of 4 stars; one submission).

Allele frequency attached by ClinVar (database versions not stated): gnomAD exomes 0.00001 and 0.00002; ExAC 0.00002; TOPMed 0.00004; gnomAD 0.00005; ESP Exome Variant Server 0.00008.

Submission:

Labcorp Genetics (formerly Invitae), Labcorp
Classification: Uncertain significance. Last evaluated: 2021-07-30. Review status: criteria provided, single submitter. Criteria: Invitae Variant Classification Sherloc (09022015). Collection method: clinical testing. Allele origin: germline.
Comment: This sequence change replaces glycine with aspartic acid at codon 157 of the TYR protein (p.Gly157Asp). The glycine residue is moderately conserved and there is a moderate physicochemical difference between glycine and aspartic acid. This variant is present in population databases (rs372458096, ExAC 0.03%). This variant has not been reported in the literature in individuals affected with TYR-related conditions. Advanced modeling of protein sequence and biophysical properties (such as structural, functional, and spatial information, amino acid conservation, physicochemical variation, residue mobility, and thermodynamic stability) performed at Invitae indicates that this missense variant is not expected to disrupt TYR protein function. In summary, the available evidence is currently insufficient to determine the role of this variant in disease. Therefore, it has been classified as a Variant of Uncertain Significance.

NM_000372.5(TYR):c.470G>A (p.Gly157Asp)

Gene: TYR (tyrosinase; plus strand). Cytogenetic location: 11q14.3.
Variant type: single nucleotide variant.
Coding change: c.470G>A on transcript NM_000372.5 (MANE Select); coding-DNA position 470, G replaced by A.
Protein change: p.Gly157Asp; replaces glycine 157 with aspartic acid.
Molecular consequence: missense variant.
Genome position (GRCh38, 1-based): chr11:89,178,423, G>A. VCF-style: chr11-89178423-G-A. GRCh37 (hg19) VCF-style: chr11-88911591-G-A.
Other names: short protein forms G157D.
Identifiers: ClinVar variation 1358017 (VCV001358017.3), dbSNP rs372458096, ClinGen allele CA6221117.